The following is an entry in ClinVar:

ClinVar aggregate classification (germline): Pathogenic (1 of 4 stars; one submission).

Submission:

GeneDx
Classification: Pathogenic. Last evaluated: 2022-10-03. Review status: criteria provided, single submitter. Criteria: GeneDx Variant Classification Process June 2021. Collection method: clinical testing. Allele origin: germline. Affected: yes.
Comment: Frameshift variant predicted to result in protein truncation or nonsense mediated decay in a gene for which loss of function is a known mechanism of disease; Not observed at significant frequency in large population cohorts (gnomAD); Truncating variants in this gene are considered pathogenic by a well-established clinical consortium and/or database; Has not been previously published as pathogenic or benign to our knowledge; Also known as 4651dup

NM_000059.4(BRCA2):c.4423dup (p.Met1475fs)

Gene: BRCA2 (BRCA2 DNA repair associated; plus strand). Cytogenetic location: 13q13.1.
Variant type: Duplication.
Coding change: c.4423dup on transcript NM_000059.4 (MANE Select); coding-DNA position 4423, one base duplicated (A; older notation c.4423dupA).
Protein change: p.Met1475fs; shifts the reading frame from methionine 1475.
Molecular consequence: frameshift variant. On other transcripts: non-coding transcript variant (1), intron variant (2).
Genome position (GRCh38, 1-based): chr13:32,338,778, A duplicated; the last of 4 consecutive A bases (chr13:32,338,775-32,338,778); duplicating any one gives the same sequence. VCF-style (leftmost placement, unchanged base first): chr13-32338774-C-CA. GRCh37 (hg19) VCF-style: chr13-32912911-C-CA.
Other names: c.4423dup, p.Met1475fs (NM_001406719.1, NM_001406720.1); c.1909+5391dup (NM_001406721.1); c.425-5780dup (NM_001406722.1); short protein forms M1475fs.
Identifiers: ClinVar variation 2446697 (VCV002446697.1), dbSNP rs80359447, ClinGen allele CA2580087286.
Genomic context (GRCh38, chr13:32,338,774, plus strand): 5'-ACCAGAAGAATTGCATAACTTTTCCTTAAATTCTGAATTACATTCTGACATAAGAAAGAA[C>CA]AAAATGGACATTCTAAGTTATGAGGAAACAGACATAGTTAAACACAAAATACTGAAAGAA-3'